The following is an entry in ClinVar:

ClinVar aggregate classification (germline): Uncertain significance (1 of 4 stars; one submission).

Submission:

GeneDx
Classification: Uncertain significance. Last evaluated: 2022-12-27. Review status: criteria provided, single submitter. Criteria: GeneDx Variant Classification Process June 2021. Collection method: clinical testing. Allele origin: germline. Affected: yes.
Comment: Not observed at significant frequency in large population cohorts (gnomAD); Frameshift variant predicted to result in protein truncation or nonsense mediated decay in a gene or region of a gene for which loss of function is not a well-established mechanism of disease; Has not been previously published as pathogenic or benign to our knowledge; Variants in candidate genes are classified as variants of uncertain significance in accordance with ACMG guidelines (Richards et al., 2015)

NM_001135649.3(FOXI3):c.222_250del (p.Tyr75fs)

Gene: FOXI3 (forkhead box I3; minus strand). Cytogenetic location: 2p11.2.
Variant type: Deletion.
Coding change: c.222_250del on transcript NM_001135649.3 (MANE Select); coding-DNA positions 222 to 250, 29 bases deleted (GTACCTGGGCGCTCCGCCGCCGCCGCCGC).
Protein change: p.Tyr75fs; shifts the reading frame from tyrosine 75.
Molecular consequence: frameshift variant.
Genome position (GRCh38, 1-based): chr2:88,452,286-88,452,314, GCGGCGGCGGCGGCGGAGCGCCCAGGTAC deleted on the plus strand (GTACCTGGGCGCTCCGCCGCCGCCGCCGC on the coding strand, the reverse complement: FOXI3 is on the minus strand); deleting any 29 consecutive bases within chr2:88,452,286-88,452,325 gives the same sequence; the c. name uses the placement nearest the transcript's 3' end. VCF-style (leftmost placement, unchanged base first): chr2-88452285-GGCGGCGGCGGCGGCGGAGCGCCCAGGTAC-G. GRCh37 (hg19) VCF-style: chr2-88751803-GGCGGCGGCGGCGGCGGAGCGCCCAGGTAC-G.
Other names: short protein forms Y75fs.
Identifiers: ClinVar variation 2663027 (VCV002663027.1), dbSNP rs2528917373, ClinGen allele CA2695200841.